The following is an entry in ClinVar:

NM_001099922.3(ALG13):c.2023G>A (p.Val675Ile)

Gene: ALG13 (ALG13 UDP-N-acetylglucosaminyltransferase subunit; plus strand). Cytogenetic location: Xq23.
Variant type: single nucleotide variant.
Coding change: c.2023G>A on transcript NM_001099922.3 (MANE Select); coding-DNA position 2023, G replaced by A.
Protein change: p.Val675Ile; replaces valine 675 with isoleucine.
Molecular consequence: missense variant. On other transcripts: non-coding transcript variant (1).
Genome position (GRCh38, 1-based): chrX:111,727,378, G>A. VCF-style: chrX-111727378-G-A. GRCh37 (hg19) VCF-style: chrX-110970606-G-A.
Other names: c.1711G>A, p.Val571Ile (NM_001257230.2, NM_001257234.2, NM_001257237.2); c.1789G>A, p.Val597Ile (NM_001257231.2); c.2023G>A, p.Val675Ile (NM_001324292.2); c.1537G>A, p.Val513Ile (NM_001324293.1); short protein forms V513I, V571I, V675I, V597I.
Identifiers: ClinVar variation 1393539 (VCV001393539.6), dbSNP rs2148225487, ClinGen allele CA414253080.

ClinVar aggregate classification (germline): Uncertain significance (1 of 4 stars; one submission).

Conditions:
Developmental and epileptic encephalopathy, 36 (DEE36). Also called: ALG13-CDG; Congenital disorder of glycosylation, type Is; Epileptic encephalopathy, early infantile, 36. Identifiers: Orphanet 324422, MedGen C4317295, MONDO:0010472, OMIM 300884.

Submission:

Labcorp Genetics (formerly Invitae), Labcorp
Classification: Uncertain significance for Developmental and epileptic encephalopathy, 36. Last evaluated: 2021-11-16. Review status: criteria provided, single submitter. Criteria: Invitae Variant Classification Sherloc (09022015). Collection method: clinical testing. Allele origin: germline.
Comment: In summary, the available evidence is currently insufficient to determine the role of this variant in disease. Therefore, it has been classified as a Variant of Uncertain Significance. Algorithms developed to predict the effect of missense changes on protein structure and function output the following: SIFT: "Tolerated"; PolyPhen-2: "Benign"; Align-GVGD: "Class C0". The isoleucine amino acid residue is found in multiple mammalian species, which suggests that this missense change does not adversely affect protein function. This variant has not been reported in the literature in individuals affected with ALG13-related conditions. This variant is not present in population databases (gnomAD no frequency). This sequence change replaces valine, which is neutral and non-polar, with isoleucine, which is neutral and non-polar, at codon 675 of the ALG13 protein (p.Val675Ile).